The following is an entry in ClinVar:

ClinVar aggregate classification (germline): Uncertain significance (1 of 4 stars; one submission).

Submission:

GeneDx
Classification: Uncertain significance. Last evaluated: 2025-07-08. Review status: criteria provided, single submitter. Criteria: GeneDx Variant Classification Process June 2021. Collection method: clinical testing. Allele origin: germline. Affected: yes.
Comment: Not observed at significant frequency in large population cohorts (gnomAD); In silico analysis supports that this missense variant has a deleterious effect on protein structure/function; Has not been previously published as pathogenic or benign to our knowledge

NM_001348323.3(TRIP12):c.445C>A (p.Pro149Thr)

Gene: TRIP12 (thyroid hormone receptor interactor 12; minus strand). Cytogenetic location: 2q36.3.
Variant type: single nucleotide variant.
Coding change: c.445C>A on transcript NM_001348323.3 (MANE Select); coding-DNA position 445, C replaced by A.
Protein change: p.Pro149Thr; replaces proline 149 with threonine.
Molecular consequence: missense variant. On other transcripts: intron variant (1).
Genome position (GRCh38, 1-based): chr2:229,859,354, G>T on the plus strand (C>A on the coding strand, the complement: TRIP12 is on the minus strand). VCF-style: chr2-229859354-G-T. GRCh37 (hg19) VCF-style: chr2-230724070-G-T.
Other names: c.445C>A, p.Pro149Thr (NM_001284214.2, NM_001348315.2, NM_001348319.1 and 15 more transcripts); c.319C>A, p.Pro107Thr (NM_001284215.2, NM_001348316.2, NM_001348317.1 and 3 more transcripts); c.98+20628C>A (NM_001284216.2); short protein forms P107T, P149T.
Identifiers: ClinVar variation 4685409 (VCV004685409.1).
Genomic context (GRCh38, chr2:229,859,354, plus strand): 5'-ATTGTGCAGATTTCAGTTGTTGCTCCTGGTCTAAATGTCTCTTCTTTGACTTACTATGTG[G>T]CTTATTTGTTTCTGAGGGAGATTCAGTATGCTGAAGTGCTTTTGGTTTTTTTGCAGAGCT-3'
Protein context (NP_001335252.1, residues 139-159): HTESPSETNK[Pro149Thr]HSKSKKRHLD